The following is an entry in ClinVar:

NM_001367561.1(DOCK7):c.3895C>T (p.Pro1299Ser)

Gene: DOCK7 (dedicator of cytokinesis 7; minus strand). Cytogenetic location: 1p31.3.
Variant type: single nucleotide variant.
Coding change: c.3895C>T on transcript NM_001367561.1 (MANE Select); coding-DNA position 3895, C replaced by T.
Protein change: p.Pro1299Ser; replaces proline 1299 with serine.
Molecular consequence: missense variant.
Genome position (GRCh38, 1-based): chr1:62,528,192, G>A on the plus strand (C>T on the coding strand, the complement: DOCK7 is on the minus strand). VCF-style: chr1-62528192-G-A. GRCh37 (hg19) VCF-style: chr1-62993863-G-A.
Other names: c.3895C>T, p.Pro1299Ser (NM_001271999.2, NM_001330614.2); c.3802C>T, p.Pro1268Ser (NM_001272000.2, NM_001272001.2, NM_033407.4); short protein forms P1268S, P1299S.
Identifiers: ClinVar variation 1355561 (VCV001355561.8), dbSNP rs994184729, ClinGen allele CA23736810.
Genomic context (GRCh38, chr1:62,528,192, plus strand): 5'-GTAGGAGGATTGTTTTTACCGTTGACGTGAGGAGGAAACTGCCAGGCCTTGTTAGTTGAG[G>A]GACCGATGTCCCTGCGATTGCCATGGCAACGGTCTGGCTTATCATACTTCCGCTCTCACT-3'
Protein context (NP_001354490.1, residues 1289-1309): VAMAIAGTSV[Pro1299Ser]QLTRPGSFLL

ClinVar aggregate classification (germline): Uncertain significance (1 of 4 stars; one submission).

Conditions:
Developmental and epileptic encephalopathy, 23 (DEE23). Also called: Epileptic encephalopathy, early infantile, 23. Identifiers: Orphanet 411986, MedGen C4014492, MONDO:0014371, OMIM 615859.

Submission:

Labcorp Genetics (formerly Invitae), Labcorp
Classification: Uncertain significance for Developmental and epileptic encephalopathy, 23. Last evaluated: 2022-01-11. Review status: criteria provided, single submitter. Criteria: Invitae Variant Classification Sherloc (09022015). Collection method: clinical testing. Allele origin: germline.
Comment: This variant has not been reported in the literature in individuals affected with DOCK7-related conditions. Algorithms developed to predict the effect of missense changes on protein structure and function (SIFT, PolyPhen-2, Align-GVGD) all suggest that this variant is likely to be tolerated. In summary, the available evidence is currently insufficient to determine the role of this variant in disease. Therefore, it has been classified as a Variant of Uncertain Significance. This variant is not present in population databases (gnomAD no frequency). This sequence change replaces proline, which is neutral and non-polar, with serine, which is neutral and polar, at codon 1299 of the DOCK7 protein (p.Pro1299Ser).